The following is an entry in ClinVar:

ClinVar aggregate classification (germline): Uncertain significance. Review status: criteria provided, multiple submitters, no conflicts (2 of 4 stars). 2 submissions from 2 submitters: Uncertain significance (2). Last evaluated 2023-06-23.

Conditions:
Inborn genetic diseases. Identifiers: MedGen C0950123, MeSH D030342.

Allele frequency attached by ClinVar (database versions not stated): gnomAD exomes below 0.00001; TOPMed below 0.00001.
gnomAD v4.1: 1 of 1,612,920 alleles (0.000062%); highest among the groups gnomAD compares: Non-Finnish European, 0.000085%; no homozygotes.

Submissions (2):

Ambry Genetics
Classification: Uncertain significance for Inborn genetic diseases. Last evaluated: 2023-06-23. Review status: criteria provided, single submitter. Criteria: Ambry Variant Classification Scheme 2023. Collection method: clinical testing. Allele origin: germline.

GeneDx
Classification: Uncertain significance. Last evaluated: 2022-02-08. Review status: criteria provided, single submitter. Criteria: GeneDx Variant Classification Process June 2021. Collection method: clinical testing. Allele origin: germline. Affected: yes.
Comment: Not observed at significant frequency in large population cohorts (gnomAD); In silico analysis supports that this missense variant has a deleterious effect on protein structure/function; Has not been previously published as pathogenic or benign to our knowledge

NM_003680.4(YARS1):c.371A>C (p.Gln124Pro)

Gene: YARS1 (tyrosyl-tRNA synthetase 1; minus strand). Cytogenetic location: 1p35.1.
Variant type: single nucleotide variant.
Coding change: c.371A>C on transcript NM_003680.4 (MANE Select); coding-DNA position 371, A replaced by C.
Protein change: p.Gln124Pro; replaces glutamine 124 with proline.
Molecular consequence: missense variant.
Genome position (GRCh38, 1-based): chr1:32,810,600, T>G on the plus strand (A>C on the coding strand, the complement: YARS1 is on the minus strand). VCF-style: chr1-32810600-T-G. GRCh37 (hg19) VCF-style: chr1-33276201-T-G.
Other names: short protein forms Q124P.
Identifiers: ClinVar variation 1700369 (VCV001700369.4), dbSNP rs1251663679, ClinGen allele CA339687016.